The following is an entry in ClinVar:

ClinVar aggregate classification (germline): Uncertain significance (1 of 4 stars; one submission).

Conditions:
Arrhythmogenic right ventricular dysplasia 13. Also called: ARRHYTHMOGENIC RIGHT VENTRICULAR CARDIOMYOPATHY 13; Arrhythmogenic right ventricular dysplasia, familial, 13. Identifiers: MedGen C3810138, MONDO:0000908, OMIM 615616.

Submission:

Labcorp Genetics (formerly Invitae), Labcorp
Classification: Uncertain significance for Arrhythmogenic right ventricular dysplasia 13. Last evaluated: 2021-09-04. Review status: criteria provided, single submitter. Criteria: Invitae Variant Classification Sherloc (09022015). Collection method: clinical testing. Allele origin: germline.
Comment: This sequence change replaces isoleucine with valine at codon 617 of the CTNNA3 protein (p.Ile617Val). The isoleucine residue is moderately conserved and there is a small physicochemical difference between isoleucine and valine. This variant is not present in population databases (ExAC no frequency). This variant has not been reported in the literature in individuals affected with CTNNA3-related conditions. Algorithms developed to predict the effect of missense changes on protein structure and function are either unavailable or do not agree on the potential impact of this missense change (SIFT: "Tolerated"; PolyPhen-2: "Not Available"; Align-GVGD: "Class C0"). In summary, the available evidence is currently insufficient to determine the role of this variant in disease. Therefore, it has been classified as a Variant of Uncertain Significance.

NM_013266.4(CTNNA3):c.1849A>G (p.Ile617Val)

Gene: CTNNA3 (catenin alpha 3; minus strand). Cytogenetic location: 10q21.3.
Variant type: single nucleotide variant.
Coding change: c.1849A>G on transcript NM_013266.4 (MANE Select); coding-DNA position 1849, A replaced by G.
Protein change: p.Ile617Val; replaces isoleucine 617 with valine.
Molecular consequence: missense variant.
Genome position (GRCh38, 1-based): chr10:66,280,505, T>C on the plus strand (A>G on the coding strand, the complement: CTNNA3 is on the minus strand). VCF-style: chr10-66280505-T-C. GRCh37 (hg19) VCF-style: chr10-68040263-T-C.
Other names: c.1849A>G, p.Ile617Val (NM_001127384.3); short protein forms I617V.
Identifiers: ClinVar variation 1379617 (VCV001379617.6), dbSNP rs2132158723, ClinGen allele CA377090916.